The following is an entry in ClinVar:

ClinVar aggregate classification (germline): Benign (1 of 4 stars; one submission).

Conditions:
Pseudohypoaldosteronism type 2D (PHA2D). Also called: FAMILIAL HYPERKALEMIC HYPERTENSION; PSEUDOHYPOALDOSTERONISM, TYPE IID, AUTOSOMAL DOMINANT OR RECESSIVE; Pseudohypoaldosteronism Type IID. Identifiers: Orphanet 300525, Orphanet 757, MedGen C3469605, MONDO:0013781, OMIM 614495.

Allele frequency attached by ClinVar (database versions not stated): 1000 Genomes Project 0.00120; 1000 Genomes Project 30x 0.00172; gnomAD 0.00178 and 0.00223; TOPMed 0.00303.

Submission:

Illumina Laboratory Services, Illumina
Classification: Benign for Pseudohypoaldosteronism type 2D. Last evaluated: 2018-01-13. Review status: criteria provided, single submitter. Criteria: ICSL Variant Classification Criteria 13 December 2019. Collection method: clinical testing. Allele origin: germline.
Comment: This variant was observed in the ICSL laboratory as part of a predisposition screen in an ostensibly healthy population. It had not been previously curated by ICSL or reported in the Human Gene Mutation Database (HGMD: prior to June 1st, 2018), and was therefore a candidate for classification through an automated scoring system. Utilizing variant allele frequency, disease prevalence and penetrance estimates, and inheritance mode, an automated score was calculated to assess if this variant is too frequent to cause the disease. Based on the score and internal cut-off values, a variant classified as benign is not then subjected to further curation. The score for this variant resulted in a classification of benign for this disease.

NM_017415.3(KLHL3):c.*1106G>T

Gene: KLHL3 (kelch like family member 3; minus strand). Cytogenetic location: 5q31.2.
Variant type: single nucleotide variant.
Coding change: c.*1106G>T on transcript NM_017415.3 (MANE Select); 1106 bases downstream of the stop codon, G replaced by T.
Molecular consequence: 3 prime UTR variant.
Genome position (GRCh38, 1-based): chr5:137,620,992, C>A on the plus strand (G>T on the coding strand, the complement: KLHL3 is on the minus strand). VCF-style: chr5-137620992-C-A. GRCh37 (hg19) VCF-style: chr5-136956681-C-A.
Other names: c.*1106G>T (NM_001257194.1, NM_001257195.2).
Identifiers: ClinVar variation 350966 (VCV000350966.6), dbSNP rs141393967, ClinGen allele CA10619070.